The following is an entry in ClinVar:

ClinVar aggregate classification (germline): Uncertain significance (1 of 4 stars; one submission).

Submission:

Labcorp Genetics (formerly Invitae), Labcorp
Classification: Uncertain significance. Last evaluated: 2025-10-27. Review status: criteria provided, single submitter. Criteria: Invitae Variant Classification Sherloc (09022015). Collection method: clinical testing. Allele origin: germline.
Comment: This variant, c.897_899del, results in the deletion of 1 amino acid(s) of the TUBB1 protein (p.Met300del), but otherwise preserves the integrity of the reading frame. This variant is not present in population databases (gnomAD no frequency). This variant has not been reported in the literature in individuals affected with TUBB1-related conditions. Experimental studies and prediction algorithms are not available or were not evaluated, and the functional significance of this variant is currently unknown. In summary, the available evidence is currently insufficient to determine the role of this variant in disease. Therefore, it has been classified as a Variant of Uncertain Significance.

NM_030773.4(TUBB1):c.897_899del (p.Met300del)

Gene: TUBB1 (tubulin beta 1 class VI; plus strand). Cytogenetic location: 20q13.32.
Variant type: Deletion.
Coding change: c.897_899del on transcript NM_030773.4 (MANE Select); coding-DNA positions 897 to 899, 3 bases deleted (CAT; older notation c.897_899delCAT).
Protein change: p.Met300del; deletes methionine 300.
Molecular consequence: inframe deletion.
Genome position (GRCh38, 1-based): chr20:59,024,324-59,024,326, CAT deleted. VCF-style (leftmost placement, unchanged base first): chr20-59024323-CCAT-C. GRCh37 (hg19) VCF-style: chr20-57599378-CCAT-C.
Other names: short protein forms M300del.
Identifiers: ClinVar variation 4730030 (VCV004730030.1).
Genomic context (GRCh38, chr20:59,024,323, plus strand): 5'-AGCAGTACCGAGCCCTCTCCGTGGCCGAGCTCACCCAGCAGATGTTCGATGCCCGCAATA[CCAT>C]GGCTGCCTGTGACCTCCGCCGTGGCCGCTACCTCACAGTGGCCTGCATTTTCCGGGGCAA-3'